The following is an entry in ClinVar:

NM_000252.3(MTM1):c.484_485delinsAT (p.Asp162Ile)

Gene: MTM1 (myotubularin 1; plus strand). Cytogenetic location: Xq28.
Variant type: Indel.
Coding change: c.484_485delinsAT on transcript NM_000252.3 (MANE Select); coding-DNA positions 484 to 485, GA replaced by AT.
Protein change: p.Asp162Ile; replaces aspartic acid 162 with isoleucine.
Molecular consequence: missense variant.
Genome position (GRCh38, 1-based): chrX:150,638,982-150,638,983, GA replaced by AT. VCF-style: chrX-150638982-GA-AT. GRCh37 (hg19) VCF-style: chrX-149807455-GA-AT.
Other names: c.484_485delinsAT, p.Asp162Ile (NM_001376906.1, NM_001376908.1); c.373_374delinsAT, p.Asp125Ile (NM_001376907.1); short protein forms D162I, D125I.
Identifiers: ClinVar variation 4737830 (VCV004737830.1).

ClinVar aggregate classification (germline): Uncertain significance (1 of 4 stars; one submission).

Conditions:
Severe X-linked myotubular myopathy (CNMX). Also called: X-linked centronuclear myopathy; MYOTUBULAR MYOPATHY 1; Myotubular myopathy, X-linked. Identifiers: Orphanet 596, MedGen C0410203, MONDO:0010683, OMIM 310400.

Submission:

Labcorp Genetics (formerly Invitae), Labcorp
Classification: Uncertain significance for Severe X-linked myotubular myopathy. Last evaluated: 2025-12-10. Review status: criteria provided, single submitter. Criteria: Invitae Variant Classification Sherloc (09022015). Collection method: clinical testing. Allele origin: germline.
Comment: This sequence change replaces aspartic acid, which is acidic and polar, with isoleucine, which is neutral and non-polar, at codon 162 of the MTM1 protein (p.Asp162Ile). This variant is present in population databases (no rsID available, gnomAD 0.0005%). This variant has not been reported in the literature in individuals affected with MTM1-related conditions. An algorithm developed to predict the effect of missense changes on protein structure and function (PolyPhen-2) suggests that this variant is likely to be tolerated. In summary, the available evidence is currently insufficient to determine the role of this variant in disease. Therefore, it has been classified as a Variant of Uncertain Significance.